The following is an entry in ClinVar:

NM_001754.5(RUNX1):c.1221C>T (p.Tyr407=)

Gene: RUNX1 (RUNX family transcription factor 1; minus strand). Cytogenetic location: 21q22.12.
Variant type: single nucleotide variant.
Coding change: c.1221C>T on transcript NM_001754.5 (MANE Select); coding-DNA position 1221, C replaced by T.
Protein change: p.Tyr407=; no amino-acid change (tyrosine 407 retained).
Molecular consequence: synonymous variant.
Genome position (GRCh38, 1-based): chr21:34,792,357, G>A on the plus strand (C>T on the coding strand, the complement: RUNX1 is on the minus strand). VCF-style: chr21-34792357-G-A. GRCh37 (hg19) VCF-style: chr21-36164654-G-A.
Other names: NM_001754.5(RUNX1):c.1221C>T; p.Tyr407=; c.1140C>T, p.Tyr380= (NM_001001890.3); c.1221C>T (NM_001754.4).
Identifiers: ClinVar variation 1115091 (VCV001115091.14), dbSNP rs914897271, ClinGen allele CA320251360.

ClinVar aggregate classification (germline): Likely benign. Review status: reviewed by expert panel (3 of 4 stars). 4 submissions from 4 submitters: Likely benign (1). 3 of the submissions do not count toward it. Last evaluated 2026-04-29.

Conditions:
Hereditary thrombocytopenia and hematological cancer predisposition syndrome associated with RUNX1. Also called: RUNX1 Familial Platelet Disorder with Associated Myeloid Malignancies; PLATELET DISORDER, ASPIRIN-LIKE; Familial thrombocytopenia with propensity to acute myelogenous leukemia; Familial Platelet Disorder with Propensity to Acute Myelogenous Leukemia. Identifiers: Orphanet 71290, MedGen C1832388, MeSH C563324, MONDO:0100083, OMIM 601399.
Hereditary thrombocytopenia and hematologic cancer predisposition syndrome. Identifiers: Orphanet 71290, MedGen CN281654, MONDO:0011071.
Inborn genetic diseases. Identifiers: MedGen C0950123, MeSH D030342.

Allele frequency attached by ClinVar (database versions not stated): gnomAD exomes below 0.00001; TOPMed below 0.00001; gnomAD 0.00001.
gnomAD v4.1: 5 of 1,557,512 alleles (0.00032%); highest among the groups gnomAD compares: Non-Finnish European, 0.00026%; no homozygotes.

Submissions (4):

ClinGen Myeloid Malignancy Variant Curation Expert Panel
Classification: Likely benign for Hereditary thrombocytopenia and hematologic cancer predisposition syndrome. Last evaluated: 2026-04-29. Review status: reviewed by expert panel. Criteria: ClinGen MyeloMalig ACMG Specifications V3.1. Collection method: curation. Allele origin: germline. Inheritance: Autosomal dominant inheritance.
Comment: NM_001754.5(RUNX1):c.1221C>T (p.Tyr407=) is a synonymous variant which has a SpliceAI score ≤ 0.20 (0.0) (BP4, BP7). This variant has a MAF ≤ 0.00005 in gnomAD v4 across all subpopulations with at least 20x coverage for RUNX1 (PM2_supporting). In summary, this variant meets criteria to be classified as likely benign. ACMG/AMP criteria applied, as specified by the Myeloid Malignancy Variant Curation Expert Panel for RUNX1: BP4, BP7, PM2_supporting.

Labcorp Genetics (formerly Invitae), Labcorp
Classification: Likely benign for Hereditary thrombocytopenia and hematological cancer predisposition syndrome associated with RUNX1. Last evaluated: 2025-03-16. Review status: criteria provided, single submitter. Criteria: Invitae Variant Classification Sherloc (09022015). Collection method: clinical testing. Allele origin: germline. Not counted in ClinVar's aggregate classification.

Ambry Genetics
Classification: Likely benign for Inborn genetic diseases. Last evaluated: 2024-12-25. Review status: criteria provided, single submitter. Criteria: Ambry Variant Classification Scheme 2023. Collection method: clinical testing. Allele origin: germline. Not counted in ClinVar's aggregate classification.

Blueprint Genetics
Classification: Likely benign. Last evaluated: 2024-08-21. Review status: criteria provided, single submitter. Criteria: ACMG Guidelines, 2015. Collection method: clinical testing. Allele origin: germline. Not counted in ClinVar's aggregate classification.